The following is an entry in ClinVar:

NM_004174.4(SLC9A3):c.2087A>G (p.Asn696Ser)

Genes: SLC9A3 (solute carrier family 9 member A3), SLC9A3-AS1 (SLC9A3 antisense RNA 1; plus strand). Cytogenetic location: 5p15.33.
Variant type: single nucleotide variant.
Coding change: c.2087A>G on transcript NM_004174.4 (MANE Select); coding-DNA position 2087, A replaced by G.
Protein change: p.Asn696Ser; replaces asparagine 696 with serine.
Molecular consequence: missense variant.
Genome position (GRCh38, 1-based): chr5:476,073, T>C on the plus strand (A>G on the coding strand, the complement: SLC9A3 is on the minus strand). VCF-style: chr5-476073-T-C. GRCh37 (hg19) VCF-style: chr5-476188-T-C.
Other names: c.2060A>G, p.Asn687Ser (NM_001284351.3); short protein forms N687S, N696S.
Identifiers: ClinVar variation 1053639 (VCV001053639.7), dbSNP rs372062509, ClinGen allele CA3175567.
Genomic context (GRCh38, chr5:476,073, plus strand): 5'-AGCGCACCTTTCTCCTTGATGGTGAAATTCTGCGCAGGGCTCTCCATGGGCAGCTTCCCA[T>C]TGGGGATGCTGCTGTTTCTCTGCGGAGCAAACGTGAAGCTGCTCACACCCCGACACAGCC-3'
Protein context (NP_004165.2, residues 686-706): AQKRRNSSIP[Asn696Ser]GKLPMESPAQ

ClinVar aggregate classification (germline): Conflicting classifications of pathogenicity. Review status: criteria provided, conflicting classifications (1 of 4 stars). 2 submissions from 2 submitters: Uncertain significance (1); Likely benign (1). Last evaluated 2024-09-20.

Conditions:
Congenital secretory sodium diarrhea 8. Identifiers: Orphanet 103908, MedGen C5441928, MONDO:0014808, OMIM 616868.

Allele frequency attached by ClinVar (database versions not stated): gnomAD exomes 0.00006 and 0.00010; ESP Exome Variant Server 0.00008; TOPMed 0.00008; gnomAD 0.00009; ExAC 0.00014; 1000 Genomes Project 30x 0.00016; 1000 Genomes Project 0.00020.
gnomAD v4.1: 100 of 1,613,346 alleles (0.0062%); highest among the groups gnomAD compares: Admixed American, 0.01%; no homozygotes.

Submissions (2):

3billion
Classification: Likely benign for Congenital secretory sodium diarrhea 8. Last evaluated: 2024-09-20. Review status: criteria provided, single submitter. Criteria: ACMG Guidelines, 2015. Collection method: clinical testing. Allele origin: germline. Affected: no.
Comment: The homozygous variant was found in patients diagnosed with another variant in a different gene, with no symptoms related to the gene containing the homozygous variant.

Labcorp Genetics (formerly Invitae), Labcorp
Classification: Uncertain significance. Last evaluated: 2022-10-17. Review status: criteria provided, single submitter. Criteria: Invitae Variant Classification Sherloc (09022015). Collection method: clinical testing. Allele origin: germline.
Comment: This sequence change replaces asparagine, which is neutral and polar, with serine, which is neutral and polar, at codon 696 of the SLC9A3 protein (p.Asn696Ser). This variant is present in population databases (rs372062509, gnomAD 0.02%). This variant has not been reported in the literature in individuals affected with SLC9A3-related conditions. ClinVar contains an entry for this variant (Variation ID: 1053639). Algorithms developed to predict the effect of missense changes on protein structure and function are either unavailable or do not agree on the potential impact of this missense change (SIFT: "Not Available"; PolyPhen-2: "Benign"; Align-GVGD: "Not Available"). In summary, the available evidence is currently insufficient to determine the role of this variant in disease. Therefore, it has been classified as a Variant of Uncertain Significance.